The following is an entry in ClinVar:

ClinVar aggregate classification (germline): Uncertain significance (1 of 4 stars; one submission).

Conditions:
Dyskeratosis congenita, autosomal dominant 1 (DKCA1). Also called: Dyskeratosis congenita Scoggins type. Identifiers: Orphanet 1775, MedGen C4551974, MONDO:0007485, OMIM 127550. Inheritance: Variable.

Submission:

Labcorp Genetics (formerly Invitae), Labcorp
Classification: Uncertain significance for Dyskeratosis congenita, autosomal dominant 1. Last evaluated: 2022-07-23. Review status: criteria provided, single submitter. Criteria: Invitae Variant Classification Sherloc (09022015). Collection method: clinical testing. Allele origin: germline.
Comment: This variant occurs in the TERC gene, which encodes an RNA molecule that does not result in a protein product. In summary, the available evidence is currently insufficient to determine the role of this variant in disease. Therefore, it has been classified as a Variant of Uncertain Significance. This variant is located within the BoxH/ACA scaRNA domain of the TERC RNA component, which is required for telomerase activity (PMID: 21844345). This variant has not been reported in the literature in individuals affected with TERC-related conditions. Information on the frequency of this variant in the gnomAD database is not available, as this variant may be reported differently in the database.

Literature cited by the submitters: PubMed 21844345.

NC_000003.12:g.169764700_169764702delinsCTT

Genes: TERC (telomerase RNA component; minus strand), LOC110806306 (telomerase RNA component (TERC) promoter; plus strand). Cytogenetic location: 3q26.2.
Variant type: Indel.
Genome position: GRCh38 VCF-style: chr3-169764700-TGA-CTT. GRCh37 (hg19) VCF-style: chr3-169482488-TGA-CTT.
Identifiers: ClinVar variation 2171755 (VCV002171755.4), dbSNP rs2474261985, ClinGen allele CA2580069059.
Genomic context (GRCh38, chr3:169,764,700, plus strand): 5'-CCCACAGCTCAGGGAATCGCGCCGCGCGCGGGGACTCGCTCCGTTCCTCTTCCTGCGGCC[TGA>CTT]AAGGCCTGAACCTCGCCCTCGCCCCCGAGAGACCCGCGGCTGACAGAGCCCAACTCTTCG-3'